The following is an entry in ClinVar:

ClinVar aggregate classification (germline): Uncertain significance (1 of 4 stars; one submission).

Allele frequency attached by ClinVar (database versions not stated): gnomAD exomes 0.00001; gnomAD 0.00003; TOPMed 0.00004; ExAC 0.00007.
gnomAD v4.1: 14 of 1,587,414 alleles (0.00088%); highest among the groups gnomAD compares: African/African-American, 0.0054%; no homozygotes.

Submission:

Labcorp Genetics (formerly Invitae), Labcorp
Classification: Uncertain significance. Last evaluated: 2022-02-19. Review status: criteria provided, single submitter. Criteria: Invitae Variant Classification Sherloc (09022015). Collection method: clinical testing. Allele origin: germline.
Comment: This sequence change replaces glycine, which is neutral and non-polar, with serine, which is neutral and polar, at codon 766 of the APC2 protein (p.Gly766Ser). The frequency data for this variant in the population databases is considered unreliable, as metrics indicate poor data quality at this position in the gnomAD database. This variant has not been reported in the literature in individuals affected with APC2-related conditions. Algorithms developed to predict the effect of missense changes on protein structure and function output the following: SIFT: "Tolerated"; PolyPhen-2: "Benign"; Align-GVGD: "Class C0". The serine amino acid residue is found in multiple mammalian species, which suggests that this missense change does not adversely affect protein function. In summary, the available evidence is currently insufficient to determine the role of this variant in disease. Therefore, it has been classified as a Variant of Uncertain Significance.

NM_005883.3(APC2):c.2296G>A (p.Gly766Ser)

Gene: APC2 (APC regulator of WNT signaling pathway 2; plus strand). Cytogenetic location: 19p13.3.
Variant type: single nucleotide variant.
Coding change: c.2296G>A on transcript NM_005883.3 (MANE Select); coding-DNA position 2296, G replaced by A.
Protein change: p.Gly766Ser; replaces glycine 766 with serine.
Molecular consequence: missense variant.
Genome position (GRCh38, 1-based): chr19:1,465,597, G>A. VCF-style: chr19-1465597-G-A. GRCh37 (hg19) VCF-style: chr19-1465596-G-A.
Other names: c.2293G>A, p.Gly765Ser (NM_001351273.1); short protein forms G765S, G766S.
Identifiers: ClinVar variation 2099383 (VCV002099383.3), dbSNP rs755322768, ClinGen allele CA9045411.